The following is an entry in ClinVar:

NM_004172.5(SLC1A3):c.83T>C (p.Leu28Ser)

Gene: SLC1A3 (solute carrier family 1 member 3; plus strand). Cytogenetic location: 5p13.2.
Variant type: single nucleotide variant.
Coding change: c.83T>C on transcript NM_004172.5 (MANE Select); coding-DNA position 83, T replaced by C.
Protein change: p.Leu28Ser; replaces leucine 28 with serine.
Molecular consequence: missense variant. On other transcripts: 5 prime UTR variant (3).
Genome position (GRCh38, 1-based): chr5:36,608,506, T>C. VCF-style: chr5-36608506-T-C. GRCh37 (hg19) VCF-style: chr5-36608608-T-C.
Other names: c.83T>C, p.Leu28Ser (NM_001166695.3, NM_001166696.3, NM_001289939.2 and 7 more transcripts); c.-388T>C (NM_001438460.1, NM_001438461.1); c.-341T>C (NM_001438462.1); short protein forms L28S.
Identifiers: ClinVar variation 4723232 (VCV004723232.1).

ClinVar aggregate classification (germline): Uncertain significance (1 of 4 stars; one submission).

Submission:

Labcorp Genetics (formerly Invitae), Labcorp
Classification: Uncertain significance. Last evaluated: 2025-07-14. Review status: criteria provided, single submitter. Criteria: Invitae Variant Classification Sherloc (09022015). Collection method: clinical testing. Allele origin: germline.
Comment: This sequence change replaces leucine, which is neutral and non-polar, with serine, which is neutral and polar, at codon 28 of the SLC1A3 protein (p.Leu28Ser). This variant is not present in population databases (gnomAD no frequency). This variant has not been reported in the literature in individuals affected with SLC1A3-related conditions. An algorithm developed to predict the effect of missense changes on protein structure and function (PolyPhen-2) suggests that this variant is likely to be tolerated. In summary, the available evidence is currently insufficient to determine the role of this variant in disease. Therefore, it has been classified as a Variant of Uncertain Significance.